The following is an entry in ClinVar:

NM_005751.5(AKAP9):c.7654G>A (p.Ala2552Thr)

Gene: AKAP9 (A-kinase anchoring protein 9; plus strand). Cytogenetic location: 7q21.2.
Variant type: single nucleotide variant.
Coding change: c.7654G>A on transcript NM_005751.5 (MANE Select); coding-DNA position 7654, G replaced by A.
Protein change: p.Ala2552Thr; replaces alanine 2552 with threonine.
Molecular consequence: missense variant.
Genome position (GRCh38, 1-based): chr7:92,079,787, G>A. VCF-style: chr7-92079787-G-A. GRCh37 (hg19) VCF-style: chr7-91709101-G-A.
Other names: c.2299G>A, p.Ala767Thr (NM_001379277.1); c.7630G>A, p.Ala2544Thr (NM_147185.3); short protein forms A2552T, A767T, A2544T.
Identifiers: ClinVar variation 4763663 (VCV004763663.1).
Genomic context (GRCh38, chr7:92,079,787, plus strand): 5'-GAAACAGAAATGCTTCAAAAGAAGATTGTAAACCTACAGAAAATAGTTGAAGAAAAAGTG[G>A]CTGCTGCTCTTGTCAGTCAAATCCAACTTGAGGCAGTTCAGGAATATGCAAAATTCTGTC-3'
Protein context (NP_005742.4, residues 2542-2562): NLQKIVEEKV[Ala2552Thr]AALVSQIQLE

ClinVar aggregate classification (germline): Uncertain significance (1 of 4 stars; one submission).

Conditions:
Long QT syndrome (LQTS). Identifiers: MedGen C0023976, MeSH D008133, MONDO:0002442. Disease mechanism: loss of function. Inheritance: Various modes of inheritance.

gnomAD v4.1: 2 of 1,613,958 alleles (0.00012%); highest among the groups gnomAD compares: African/African-American, 0.0027%; no homozygotes.

Submission:

Labcorp Genetics (formerly Invitae), Labcorp
Classification: Uncertain significance for Long QT syndrome. Last evaluated: 2025-05-13. Review status: criteria provided, single submitter. Criteria: Invitae Variant Classification Sherloc (09022015). Collection method: clinical testing. Allele origin: germline.
Comment: This sequence change replaces alanine, which is neutral and non-polar, with threonine, which is neutral and polar, at codon 2552 of the AKAP9 protein (p.Ala2552Thr). This variant is present in population databases (rs774720167, gnomAD 0.007%). This variant has not been reported in the literature in individuals affected with AKAP9-related conditions. An algorithm developed to predict the effect of missense changes on protein structure and function (PolyPhen-2) suggests that this variant is likely to be disruptive. In summary, the available evidence is currently insufficient to determine the role of this variant in disease. Therefore, it has been classified as a Variant of Uncertain Significance.